The following is an entry in ClinVar:

ClinVar aggregate classification (germline): Uncertain significance (1 of 4 stars; one submission).

Conditions:
Autosomal recessive ataxia, Beauce type. Also called: Spinocerebellar ataxia, autosomal recessive 8; ATAXIA, RECESSIVE, OF BEAUCE; SYNE1 Deficiency; SYNE1-Related Autosomal Recessive Cerebellar Ataxia. Identifiers: Orphanet 88644, MedGen C1853116, MONDO:0012549, OMIM 610743.
Emery-Dreifuss muscular dystrophy 4, autosomal dominant (EDMD4). Also called: EMERY-DREIFUSS MUSCULAR DYSTROPHY 4 WITH VARIABLE FEATURES. Identifiers: Orphanet 261, MedGen C2751807, MONDO:0013071, OMIM 612998.

Allele frequency attached by ClinVar (database versions not stated): gnomAD exomes below 0.00001; ExAC 0.00001.
gnomAD v4.1: 4 of 1,614,216 alleles (0.00025%); highest among the groups gnomAD compares: South Asian, 0.0044%; no homozygotes.

Submission:

Labcorp Genetics (formerly Invitae), Labcorp
Classification: Uncertain significance for Emery-Dreifuss muscular dystrophy 4, autosomal dominant; Autosomal recessive ataxia, Beauce type. Last evaluated: 2018-07-31. Review status: criteria provided, single submitter. Criteria: Invitae Variant Classification Sherloc (09022015). Collection method: clinical testing. Allele origin: germline.
Comment: This variant has not been reported in the literature in individuals with SYNE1-related disease. This variant is present in population databases (rs770523249, ExAC 0.006%). This sequence change replaces threonine with isoleucine at codon 3814 of the SYNE1 protein (p.Thr3814Ile). The threonine residue is highly conserved and there is a moderate physicochemical difference between threonine and isoleucine. Algorithms developed to predict the effect of missense changes on protein structure and function are either unavailable or do not agree on the potential impact of this missense change (SIFT: "Deleterious"; PolyPhen-2: "Benign"; Align-GVGD: "Class C15"). In summary, the available evidence is currently insufficient to determine the role of this variant in disease. Therefore, it has been classified as a Variant of Uncertain Significance.

NM_182961.4(SYNE1):c.11486C>T (p.Thr3829Ile)

Gene: SYNE1 (spectrin repeat containing nuclear envelope protein 1; minus strand). Cytogenetic location: 6q25.2.
Variant type: single nucleotide variant.
Coding change: c.11486C>T on transcript NM_182961.4 (MANE Select); coding-DNA position 11486, C replaced by T.
Protein change: p.Thr3829Ile; replaces threonine 3829 with isoleucine.
Molecular consequence: missense variant.
Genome position (GRCh38, 1-based): chr6:152,352,121, G>A on the plus strand (C>T on the coding strand, the complement: SYNE1 is on the minus strand). VCF-style: chr6-152352121-G-A. GRCh37 (hg19) VCF-style: chr6-152673256-G-A.
Other names: c.11441C>T, p.Thr3814Ile (NM_033071.5); short protein forms T3814I, T3829I.
Identifiers: ClinVar variation 638940 (VCV000638940.8), dbSNP rs770523249, ClinGen allele CA4056682.